The following is an entry in ClinVar:

NM_182914.3(SYNE2):c.10987G>T (p.Glu3663Ter)

Gene: SYNE2 (spectrin repeat containing nuclear envelope protein 2; plus strand). Cytogenetic location: 14q23.2.
Variant type: single nucleotide variant.
Coding change: c.10987G>T on transcript NM_182914.3 (MANE Select); coding-DNA position 10987, G replaced by T.
Protein change: p.Glu3663Ter; replaces glutamic acid 3663 with a stop codon.
Molecular consequence: nonsense.
Genome position (GRCh38, 1-based): chr14:64,076,065, G>T. VCF-style: chr14-64076065-G-T. GRCh37 (hg19) VCF-style: chr14-64542783-G-T.
Other names: c.10987G>T, p.Glu3663Ter (NM_015180.6); short protein forms E3663*.
Identifiers: ClinVar variation 1482443 (VCV001482443.6), dbSNP rs2153606081, ClinGen allele CA389938726.

ClinVar aggregate classification (germline): Uncertain significance (1 of 4 stars; one submission).

Conditions:
Emery-Dreifuss muscular dystrophy 5, autosomal dominant (EDMD5). Also called: EMERY-DREIFUSS MUSCULAR DYSTROPHY 5. Identifiers: Orphanet 261, MedGen C2751805, MONDO:0013072, OMIM 612999.

gnomAD v4.1: 15 of 1,613,868 alleles (0.00093%); highest among the groups gnomAD compares: Non-Finnish European, 0.0013%; no homozygotes.

Submission:

Labcorp Genetics (formerly Invitae), Labcorp
Classification: Uncertain significance for Emery-Dreifuss muscular dystrophy 5, autosomal dominant. Last evaluated: 2022-07-19. Review status: criteria provided, single submitter. Criteria: Invitae Variant Classification Sherloc (09022015). Collection method: clinical testing. Allele origin: germline.
Comment: This sequence change creates a premature translational stop signal (p.Glu3663*) in the SYNE2 gene. It is expected to result in an absent or disrupted protein product. However, the current clinical and genetic evidence is not sufficient to establish whether loss-of-function variants in SYNE2 cause disease. In summary, the available evidence is currently insufficient to determine the role of this variant in disease. Therefore, it has been classified as a Variant of Uncertain Significance. ClinVar contains an entry for this variant (Variation ID: 1482443). This variant has not been reported in the literature in individuals affected with SYNE2-related conditions. This variant is not present in population databases (gnomAD no frequency).